The following is an entry in ClinVar:

NM_001271696.3(ABCB7):c.1231G>T (p.Val411Leu)

Gene: ABCB7 (ATP binding cassette subfamily B member 7; minus strand). Cytogenetic location: Xq13.3.
Variant type: single nucleotide variant.
Coding change: c.1231G>T on transcript NM_001271696.3 (MANE Select); coding-DNA position 1231, G replaced by T.
Protein change: p.Val411Leu; replaces valine 411 with leucine.
Molecular consequence: missense variant.
Genome position (GRCh38, 1-based): chrX:75,070,499, C>A on the plus strand (G>T on the coding strand, the complement: ABCB7 is on the minus strand). VCF-style: chrX-75070499-C-A. GRCh37 (hg19) VCF-style: chrX-74290334-C-A.
Other names: c.1111G>T, p.Val371Leu (NM_001271697.3); c.1153G>T, p.Val385Leu (NM_001271698.3); c.1114G>T, p.Val372Leu (NM_001271699.3); c.1234G>T, p.Val412Leu (NM_004299.6); short protein forms V371L, V372L, V385L, V411L, V412L.
Identifiers: ClinVar variation 3235083 (VCV003235083.1), dbSNP rs80356713, ClinGen allele CA331330762.

ClinVar aggregate classification (germline): Likely pathogenic (1 of 4 stars; one submission).

Conditions:
X-linked sideroblastic anemia with ataxia (SCAX6). Also called: SPINOCEREBELLAR ATAXIA, X-LINKED 6, WITH OR WITHOUT SIDEROBLASTIC ANEMIA. Identifiers: Orphanet 2802, MedGen C1845028, MONDO:0010524, OMIM 301310.

Submission:

Institute of Immunology and Genetics Kaiserslautern
Classification: Likely pathogenic for X-linked sideroblastic anemia with ataxia. Last evaluated: 2024-04-25. Review status: criteria provided, single submitter. Criteria: ACMG Guidelines, 2015. Collection method: clinical testing. Allele origin: maternal. Affected: yes.
Comment: ACMG Criteria: PM2, PP3, PS1; Variant was found in hemizygous state